The following is an entry in ClinVar:

ClinVar aggregate classification (germline): Uncertain significance. Review status: criteria provided, multiple submitters, no conflicts (2 of 4 stars). 2 submissions from 2 submitters: Uncertain significance (2). Last evaluated 2026-05-20.

Conditions:
Ullrich congenital muscular dystrophy 2 (UCMD2). Identifiers: Orphanet 75840, MedGen C4225314, MONDO:0014654, OMIM 616470.
Bethlem myopathy 2 (BTHLM2). Identifiers: Orphanet 536516, Orphanet 610, MedGen C4225313, MONDO:0034022, OMIM 616471.

Allele frequency attached by ClinVar (database versions not stated): TOPMed 0.00002; gnomAD 0.00001; gnomAD exomes 0.00001 and 0.00003; ExAC 0.00001.

Submissions (2):

Women's Health and Genetics/Laboratory Corporation of America, LabCorp
Classification: Uncertain significance. Last evaluated: 2026-05-20. Review status: criteria provided, single submitter. Criteria: LabCorp Variant Classification Summary - May 2015. Collection method: clinical testing. Allele origin: germline.
Comment: Variant summary: COL12A1 c.8524-3T>C alters a nucleotide located close to a canonical splice site and therefore could affect mRNA splicing, leading to a significantly altered protein sequence. Consensus agreement among computation tools predict no significant impact on normal splicing. However, these predictions have yet to be confirmed by functional studies. The variant allele was found at a frequency of 1.2e-05 in 248580 control chromosomes. The available data on variant occurrences in the general population are insufficient to allow any conclusion about variant significance. To our knowledge, no occurrence of c.8524-3T>C in individuals affected with COL12A1-related conditions and no experimental evidence demonstrating its impact on protein function have been reported. ClinVar contains an entry for this variant (Variation ID: 566385). Based on the evidence outlined above, the variant was classified as uncertain significance.

Labcorp Genetics (formerly Invitae), Labcorp
Classification: Uncertain significance for Bethlem myopathy 2; Ullrich congenital muscular dystrophy 2. Last evaluated: 2025-12-01. Review status: criteria provided, single submitter. Criteria: Invitae Variant Classification Sherloc (09022015). Collection method: clinical testing. Allele origin: germline.
Comment: This sequence change falls in intron 58 of the COL12A1 gene. It does not directly change the encoded amino acid sequence of the COL12A1 protein. It affects a nucleotide within the consensus splice site. This variant is present in population databases (rs755782718, gnomAD 0.006%). This variant has not been reported in the literature in individuals affected with COL12A1-related conditions. ClinVar contains an entry for this variant (Variation ID: 566385). Variants that disrupt the consensus splice site are a relatively common cause of aberrant splicing (PMID: 17576681, 9536098). Algorithms developed to predict the effect of sequence changes on RNA splicing suggest that this variant is not likely to affect RNA splicing. In summary, the available evidence is currently insufficient to determine the role of this variant in disease. Therefore, it has been classified as a Variant of Uncertain Significance.

Literature cited by the submitters: PubMed 17576681 (cited by Labcorp Genetics (formerly Invitae), Labcorp); PubMed 9536098 (cited by Labcorp Genetics (formerly Invitae), Labcorp).

NM_004370.6(COL12A1):c.8524-3T>C

Gene: COL12A1 (collagen type XII alpha 1 chain; minus strand). Cytogenetic location: 6q13.
Variant type: single nucleotide variant.
Coding change: c.8524-3T>C on transcript NM_004370.6 (MANE Select); 3 bases into the intron before coding-DNA position 8524, T replaced by C.
Molecular consequence: intron variant.
Genome position (GRCh38, 1-based): chr6:75,097,309, A>G on the plus strand (T>C on the coding strand, the complement: COL12A1 is on the minus strand). VCF-style: chr6-75097309-A-G. GRCh37 (hg19) VCF-style: chr6-75807025-A-G.
Other names: c.5032-3T>C (NM_080645.3).
Identifiers: ClinVar variation 566385 (VCV000566385.10), dbSNP rs755782718, ClinGen allele CA3892221.